The following is an entry in ClinVar:

NM_201384.3(PLEC):c.12586G>A (p.Asp4196Asn)

Gene: PLEC (plectin; minus strand). Cytogenetic location: 8q24.3.
Variant type: single nucleotide variant.
Coding change: c.12586G>A on transcript NM_201384.3 (MANE Select); coding-DNA position 12586, G replaced by A.
Protein change: p.Asp4196Asn; replaces aspartic acid 4196 with asparagine.
Molecular consequence: missense variant.
Genome position (GRCh38, 1-based): chr8:143,917,235, C>T on the plus strand (G>A on the coding strand, the complement: PLEC is on the minus strand). VCF-style: chr8-143917235-C-T. GRCh37 (hg19) VCF-style: chr8-144991403-C-T.
Other names: c.12667G>A (NM_000445.3); c.12667G>A, p.Asp4223Asn (NM_000445.5); c.12544G>A, p.Asp4182Asn (NM_201378.4); c.12520G>A, p.Asp4174Asn (NM_201379.3); c.12997G>A, p.Asp4333Asn (NM_201380.4); c.12490G>A, p.Asp4164Asn (NM_201381.3); c.12586G>A, p.Asp4196Asn (NM_201382.4); c.12598G>A, p.Asp4200Asn (NM_201383.3); short protein forms D4174N, D4200N, D4223N, D4333N, D4164N, D4182N, D4196N.
Identifiers: ClinVar variation 580831 (VCV000580831.10), dbSNP rs373492441, ClinGen allele CA4924047.

ClinVar aggregate classification (germline): Uncertain significance. Review status: criteria provided, multiple submitters, no conflicts (2 of 4 stars). 2 submissions from 2 submitters: Uncertain significance (2). Last evaluated 2025-11-10.

Conditions:
Inborn genetic diseases. Identifiers: MedGen C0950123, MeSH D030342.
Epidermolysis bullosa simplex 5C, with pyloric atresia (EBS5C). Also called: PLEC1-Related Epidermolysis Bullosa with Pyloric Atresia; PLEC-Related Epidermolysis Bullosa with Pyloric Atresia; Epidermolysis bullosa simplex with pyloric atresia. Identifiers: Orphanet 158684, MedGen C2677349, MONDO:0012807, OMIM 612138.
Epidermolysis bullosa simplex with nail dystrophy (EBS5D). Identifiers: MedGen C4225309, MONDO:0014661, OMIM 616487.
Autosomal recessive limb-girdle muscular dystrophy type 2Q (LGMDR17). Also called: MUSCULAR DYSTROPHY, LIMB-GIRDLE, AUTOSOMAL RECESSIVE 17. Identifiers: Orphanet 254361, MedGen C3150989, MONDO:0013390, OMIM 613723.
Epidermolysis bullosa simplex 5B, with muscular dystrophy (EBS5B). Also called: Epidermolysis bullosa simplex with muscular dystrophy; EPIDERMOLYSIS BULLOSA SIMPLEX AND LIMB-GIRDLE MUSCULAR DYSTROPHY. Identifiers: Orphanet 257, MedGen C2931072, MONDO:0009181, OMIM 226670.
Epidermolysis bullosa simplex, Ogna type (EBS5A). Also called: Pidermolysis bullosa simplex 5A, Ogna type; EPIDERMOLYSIS BULLOSA SIMPLEX 5A, OGNA TYPE. Identifiers: Orphanet 79401, MedGen C0432317, MONDO:0007555, OMIM 131950.

Allele frequency attached by ClinVar (database versions not stated): gnomAD exomes 0.00001; ExAC 0.00003; gnomAD 0.00003 and 0.00004; TOPMed 0.00003; ESP Exome Variant Server 0.00008.
gnomAD v4.1: 25 of 1,612,626 alleles (0.0016%); highest among the groups gnomAD compares: Non-Finnish European, 0.0021%; no homozygotes.

Submissions (2):

Labcorp Genetics (formerly Invitae), Labcorp
Classification: Uncertain significance for Autosomal recessive limb-girdle muscular dystrophy type 2Q; Epidermolysis bullosa simplex, Ogna type; Epidermolysis bullosa simplex with nail dystrophy; Epidermolysis bullosa simplex 5C, with pyloric atresia; Epidermolysis bullosa simplex 5B, with muscular dystrophy. Last evaluated: 2025-11-10. Review status: criteria provided, single submitter. Criteria: Invitae Variant Classification Sherloc (09022015). Collection method: clinical testing. Allele origin: germline.
Comment: This sequence change replaces aspartic acid, which is acidic and polar, with asparagine, which is neutral and polar, at codon 4223 of the PLEC protein (p.Asp4223Asn). This variant is present in population databases (rs373492441, gnomAD 0.003%). This missense change has been observed in individual(s) with clinical features of PLEC-related conditions (internal data). ClinVar contains an entry for this variant (Variation ID: 580831). Invitae Evidence Modeling of protein sequence and biophysical properties (such as structural, functional, and spatial information, amino acid conservation, physicochemical variation, residue mobility, and thermodynamic stability) indicates that this missense variant is expected to disrupt PLEC protein function with a positive predictive value of 80%. In summary, the available evidence is currently insufficient to determine the role of this variant in disease. Therefore, it has been classified as a Variant of Uncertain Significance.

Ambry Genetics
Classification: Uncertain significance for Inborn genetic diseases. Last evaluated: 2021-09-16. Review status: criteria provided, single submitter. Criteria: Ambry Variant Classification Scheme 2023. Collection method: clinical testing. Allele origin: germline.